The following is an entry in ClinVar:

ClinVar aggregate classification (germline): Likely pathogenic (1 of 4 stars; one submission).

Conditions:
Autosomal recessive limb-girdle muscular dystrophy type 2J (LGMDR10). Also called: Limb-girdle muscular dystrophy, type 2J; MUSCULAR DYSTROPHY, LIMB-GIRDLE, AUTOSOMAL RECESSIVE 10. Identifiers: Orphanet 140922, MedGen C1837342, MONDO:0012127, OMIM 608807.
Dilated cardiomyopathy 1G (CMD1G). Identifiers: Orphanet 154, MedGen C1858763, MONDO:0011400, OMIM 604145.

Submission:

Labcorp Genetics (formerly Invitae), Labcorp
Classification: Likely pathogenic for Dilated cardiomyopathy 1G; Autosomal recessive limb-girdle muscular dystrophy type 2J. Last evaluated: 2025-04-28. Review status: criteria provided, single submitter. Criteria: Invitae Variant Classification Sherloc (09022015). Collection method: clinical testing. Allele origin: germline.
Comment: This sequence change creates a premature translational stop signal (p.Glu11846Glyfs*13) in the TTN gene. While this is not anticipated to result in nonsense mediated decay, it is expected to create a truncated TTN protein. This variant is not present in population databases (gnomAD no frequency). This variant has not been reported in the literature in individuals affected with TTN-related conditions. ClinVar contains an entry for this variant (Variation ID: 3760845). This variant is located in the I band of TTN (PMID: 25589632). Truncating variants in this region have been reported in individuals affected with autosomal recessive centronuclear myopathy (PMID: 23975875, internal data). Truncating variants in this region have also been identified in individuals affected with autosomal dominant dilated cardiomyopathy and/or cardio-related conditions (PMID: 27869827, 32964742, internal data). In summary, the currently available evidence indicates that the variant is pathogenic, but additional data are needed to prove that conclusively. Therefore, this variant has been classified as Likely Pathogenic.

Literature cited by the submitters: PubMed 25589632; PubMed 23975875; PubMed 27869827; PubMed 32964742.

NM_001267550.2(TTN):c.35537del (p.Glu11846fs)

Gene: TTN (titin; minus strand). Cytogenetic location: 2q31.2.
Variant type: Deletion.
Coding change: c.35537del on transcript NM_001267550.2 (MANE Select); coding-DNA position 35537, one base deleted (A; older notation c.35537delA).
Protein change: p.Glu11846fs; shifts the reading frame from glutamic acid 11846.
Molecular consequence: frameshift variant. On other transcripts: intron variant (5).
Genome position (GRCh38, 1-based): chr2:178,669,381, T deleted on the plus strand (A on the coding strand, the reverse complement: TTN is on the minus strand). VCF-style (leftmost placement, unchanged base first): chr2-178669380-CT-C. GRCh37 (hg19) VCF-style: chr2-179534107-CT-C.
Other names: c.13283-27064del (NM_003319.4); c.13859-27064del (NM_133437.4); c.13658-27064del (NM_133432.3); c.31483+837del (NM_133378.4); c.34264+837del (NM_001256850.1); short protein forms E11846fs.
Identifiers: ClinVar variation 3760845 (VCV003760845.2).